The following is an entry in ClinVar:

ClinVar aggregate classification (germline): Pathogenic (1 of 4 stars; one submission).

Conditions:
Multiple congenital exostosis (EXT). Also called: Multiple exostoses; MULTIPLE CARTILAGINOUS EXOSTOSES; Hereditary multiple exostoses; Hereditary multiple exostosis; Multiple osteochondromas; Hereditary multiple osteochondromas. Identifiers: Orphanet 321, MedGen C0015306, MONDO:0005508, HP:0002762.

Submission:

Labcorp Genetics (formerly Invitae), Labcorp
Classification: Pathogenic for Multiple congenital exostosis. Last evaluated: 2025-07-18. Review status: criteria provided, single submitter. Criteria: Invitae Variant Classification Sherloc (09022015). Collection method: clinical testing. Allele origin: germline.
Comment: This sequence change creates a premature translational stop signal (p.Glu349Argfs*10) in the EXT1 gene. It is expected to result in an absent or disrupted protein product. Loss-of-function variants in EXT1 are known to be pathogenic (PMID: 10679937, 11391482, 19810120). This variant is not present in population databases (gnomAD no frequency). This variant has not been reported in the literature in individuals affected with EXT1-related conditions. For these reasons, this variant has been classified as Pathogenic.

Literature cited by the submitters: PubMed 10679937; PubMed 11391482; PubMed 19810120.

NM_000127.3(EXT1):c.1045del (p.Glu349fs)

Gene: EXT1 (exostosin glycosyltransferase 1; minus strand). Cytogenetic location: 8q24.11.
Variant type: Deletion.
Coding change: c.1045del on transcript NM_000127.3 (MANE Select); coding-DNA position 1045, one base deleted (G; older notation c.1045delG).
Protein change: p.Glu349fs; shifts the reading frame from glutamic acid 349.
Molecular consequence: frameshift variant.
Genome position (GRCh38, 1-based): chr8:117,837,119, C deleted on the plus strand (G on the coding strand, the reverse complement: EXT1 is on the minus strand); the first of 2 consecutive C bases (chr8:117,837,119-117,837,120); deleting either gives the same sequence. VCF-style (leftmost placement, unchanged base first): chr8-117837118-TC-T. GRCh37 (hg19) VCF-style: chr8-118849357-TC-T.
Other names: short protein forms E349fs.
Identifiers: ClinVar variation 4723454 (VCV004723454.1).
Genomic context (GRCh38, chr8:117,837,118, plus strand): 5'-TCTGGCTTCGGTCCTCAGCCCTATTCTGGGAAGGCTCCAGGGCCTCTTACCTGCAAAGCC[TC>T]CAGGAATCTGAAGGACCCAAGCCTGCGACCACGAGGAACCAGACAGAAAGTGGCATTGTG-3'